The following is an entry in ClinVar:

NM_001379200.1(TBX1):c.1196G>T (p.Gly399Val)

Gene: TBX1 (T-box transcription factor 1; plus strand). Cytogenetic location: 22q11.21.
Variant type: single nucleotide variant.
Coding change: c.1196G>T on transcript NM_001379200.1 (MANE Select); coding-DNA position 1196, G replaced by T.
Protein change: p.Gly399Val; replaces glycine 399 with valine.
Molecular consequence: missense variant. On other transcripts: intron variant (2).
Genome position (GRCh38, 1-based): chr22:19,766,548, G>T. VCF-style: chr22-19766548-G-T. GRCh37 (hg19) VCF-style: chr22-19754071-G-T.
Other names: c.1169G>T, p.Gly390Val (NM_080647.1); c.1009+546G>T (NM_005992.1, NM_080646.2); short protein forms G399V, G390V.
Identifiers: ClinVar variation 2980723 (VCV002980723.3), dbSNP rs1274082696, ClinGen allele CA410684481.

ClinVar aggregate classification (germline): Uncertain significance (1 of 4 stars; one submission).

Conditions:
DiGeorge syndrome. Also called: THIRD AND FOURTH PHARYNGEAL POUCH SYNDROME; Catch22. Identifiers: Orphanet 567, MedGen C0012236, MONDO:0008564, OMIM 188400.

gnomAD v4.1: 1 of 1,362,976 alleles (0.000073%); no homozygotes.

Submission:

Labcorp Genetics (formerly Invitae), Labcorp
Classification: Uncertain significance for DiGeorge syndrome. Last evaluated: 2023-11-28. Review status: criteria provided, single submitter. Criteria: Invitae Variant Classification Sherloc (09022015). Collection method: clinical testing. Allele origin: germline.
Comment: This sequence change replaces glycine, which is neutral and non-polar, with valine, which is neutral and non-polar, at codon 390 of the TBX1 protein (p.Gly390Val). This variant is not present in population databases (gnomAD no frequency). This variant has not been reported in the literature in individuals affected with TBX1-related conditions. An algorithm developed to predict the effect of missense changes on protein structure and function (PolyPhen-2) suggests that this variant is likely to be tolerated. In summary, the available evidence is currently insufficient to determine the role of this variant in disease. Therefore, it has been classified as a Variant of Uncertain Significance.